The following is an entry in ClinVar:

ClinVar aggregate classification (germline): Uncertain significance (1 of 4 stars; one submission).

Conditions:
Ehlers-Danlos syndrome, classic type, 1 (EDSCL1). Also called: EHLERS-DANLOS SYNDROME, GRAVIS TYPE; EHLERS-DANLOS SYNDROME, SEVERE CLASSIC TYPE; Ehlers-Danlos syndrome, type 1; Ehlers-Danlos Syndrome, Classic Type, COL5A1-Related; EDS I. Identifiers: MedGen C0268335, MONDO:0019567, OMIM 130000.

Submission:

Labcorp Genetics (formerly Invitae), Labcorp
Classification: Uncertain significance for Ehlers-Danlos syndrome, classic type, 1. Last evaluated: 2025-04-28. Review status: criteria provided, single submitter. Criteria: Invitae Variant Classification Sherloc (09022015). Collection method: clinical testing. Allele origin: germline.
Comment: This sequence change replaces proline, which is neutral and non-polar, with arginine, which is basic and polar, at codon 1200 of the COL5A1 protein (p.Pro1200Arg). This variant is not present in population databases (gnomAD no frequency). This variant has not been reported in the literature in individuals affected with COL5A1-related conditions. Invitae Evidence Modeling of protein sequence and biophysical properties (such as structural, functional, and spatial information, amino acid conservation, physicochemical variation, residue mobility, and thermodynamic stability) indicates that this missense variant is not expected to disrupt COL5A1 protein function with a negative predictive value of 95%. In summary, the available evidence is currently insufficient to determine the role of this variant in disease. Therefore, it has been classified as a Variant of Uncertain Significance.

NM_000093.5(COL5A1):c.3599C>G (p.Pro1200Arg)

Gene: COL5A1 (collagen type V alpha 1 chain; plus strand). Cytogenetic location: 9q34.3.
Variant type: single nucleotide variant.
Coding change: c.3599C>G on transcript NM_000093.5 (MANE Select); coding-DNA position 3599, C replaced by G.
Protein change: p.Pro1200Arg; replaces proline 1200 with arginine.
Molecular consequence: missense variant.
Genome position (GRCh38, 1-based): chr9:134,811,508, C>G. VCF-style: chr9-134811508-C-G. GRCh37 (hg19) VCF-style: chr9-137703354-C-G.
Other names: c.3599C>G, p.Pro1200Arg (NM_001278074.1); short protein forms P1200R.
Identifiers: ClinVar variation 4771013 (VCV004771013.1).